The following is an entry in ClinVar:

NM_014000.3(VCL):c.1415_1423del (p.Asn472_Gln474del)

Gene: VCL (vinculin; plus strand). Cytogenetic location: 10q22.2.
Variant type: Deletion.
Coding change: c.1415_1423del on transcript NM_014000.3 (MANE Select); coding-DNA positions 1415 to 1423, 9 bases deleted (ACCTGCAGA; older notation c.1415_1423delACCTGCAGA).
Protein change: p.Asn472_Gln474del.
Genome position (GRCh38, 1-based): chr10:74,094,333-74,094,341, ACCTGCAGA deleted; deleting any 9 consecutive bases within chr10:74,094,325-74,094,341 gives the same sequence; the c. name uses the placement nearest the transcript's 3' end. VCF-style (leftmost placement, unchanged base first): chr10-74094324-CCCTGCAGAA-C. GRCh37 (hg19) VCF-style: chr10-75854082-CCCTGCAGAA-C.
Other names: c.1415_1423del, p.Asn472_Gln474del (NM_003373.4).
Identifiers: ClinVar variation 3645893 (VCV003645893.2).

ClinVar aggregate classification (germline): Uncertain significance (1 of 4 stars; one submission).

Conditions:
Dilated cardiomyopathy 1W (CMD1W). Identifiers: Orphanet 154, MedGen C1969639, MONDO:0012667, OMIM 611407.

Submission:

Labcorp Genetics (formerly Invitae), Labcorp
Classification: Uncertain significance for Dilated cardiomyopathy 1W. Last evaluated: 2024-03-14. Review status: criteria provided, single submitter. Criteria: Invitae Variant Classification Sherloc (09022015). Collection method: clinical testing. Allele origin: germline.
Comment: This variant, c.1415_1423del, results in the deletion of 3 amino acid(s) of the VCL protein (p.Asn472_Gln474del), but otherwise preserves the integrity of the reading frame. This variant is not present in population databases (gnomAD no frequency). This variant has not been reported in the literature in individuals affected with VCL-related conditions. Experimental studies and prediction algorithms are not available or were not evaluated, and the functional significance of this variant is currently unknown. In summary, the available evidence is currently insufficient to determine the role of this variant in disease. Therefore, it has been classified as a Variant of Uncertain Significance.